The following is an entry in ClinVar:

ClinVar aggregate classification (germline): Uncertain significance (1 of 4 stars; one submission).

gnomAD v4.1: 3 of 1,614,016 alleles (0.00019%); highest among the groups gnomAD compares: African/African-American, 0.004%; no homozygotes.

Submission:

Labcorp Genetics (formerly Invitae), Labcorp
Classification: Uncertain significance. Last evaluated: 2025-04-07. Review status: criteria provided, single submitter. Criteria: Invitae Variant Classification Sherloc (09022015). Collection method: clinical testing. Allele origin: germline.
Comment: This sequence change replaces alanine, which is neutral and non-polar, with threonine, which is neutral and polar, at codon 3595 of the MACF1 protein (p.Ala3595Thr). This variant is present in population databases (rs762186137, gnomAD 0.007%). This variant has not been reported in the literature in individuals affected with MACF1-related conditions. An algorithm developed to predict the effect of missense changes on protein structure and function (PolyPhen-2) suggests that this variant is likely to be disruptive. In summary, the available evidence is currently insufficient to determine the role of this variant in disease. Therefore, it has been classified as a Variant of Uncertain Significance.

NM_001394062.1(MACF1):c.16969G>A (p.Ala5657Thr)

Gene: MACF1 (microtubule actin crosslinking factor 1; plus strand). Cytogenetic location: 1p34.3.
Variant type: single nucleotide variant.
Coding change: c.16969G>A on transcript NM_001394062.1 (MANE Select); coding-DNA position 16969, G replaced by A.
Protein change: p.Ala5657Thr; replaces alanine 5657 with threonine.
Molecular consequence: missense variant.
Genome position (GRCh38, 1-based): chr1:39,429,907, G>A. VCF-style: chr1-39429907-G-A. GRCh37 (hg19) VCF-style: chr1-39895579-G-A.
Other names: c.5038G>A, p.Ala1680Thr (NM_001397473.1); c.10783G>A, p.Ala3595Thr (NM_012090.5); short protein forms A5657T, A1680T, A3595T.
Identifiers: ClinVar variation 4770124 (VCV004770124.1).
Genomic context (GRCh38, chr1:39,429,907, plus strand): 5'-CAGGAAAAACTAGATGGTATAAAGACTCGTTACGCAGACATCACAGTTACTAGCTCCAAG[G>A]CCCTCAGAACTTTAGAGCAAGCCCGGCAGCTGGCCACCAAGTTCCAGTCTACTTATGAGG-3'
Protein context (NP_001380991.1, residues 5647-5667): YADITVTSSK[Ala5657Thr]LRTLEQARQL